The following is an entry in ClinVar:

NM_000334.4(SCN4A):c.3359C>G (p.Ser1120Trp)

Genes: GH-LCR (growth hormone locus control region; plus strand), SCN4A (sodium voltage-gated channel alpha subunit 4; minus strand). Cytogenetic location: 17q23.3.
Variant type: single nucleotide variant.
Coding change: c.3359C>G on transcript NM_000334.4 (MANE Select); coding-DNA position 3359, C replaced by G.
Protein change: p.Ser1120Trp; replaces serine 1120 with tryptophan.
Molecular consequence: missense variant.
Genome position (GRCh38, 1-based): chr17:63,947,127, G>C on the plus strand (C>G on the coding strand, the complement: SCN4A is on the minus strand). VCF-style: chr17-63947127-G-C. GRCh37 (hg19) VCF-style: chr17-62024487-G-C.
Other names: short protein forms S1120W.
Identifiers: ClinVar variation 3661996 (VCV003661996.2).

ClinVar aggregate classification (germline): Uncertain significance (1 of 4 stars; one submission).

Conditions:
Hyperkalemic periodic paralysis. Also called: Familial hyperkalemic periodic paralysis; Gamstorp disease. Identifiers: Orphanet 682, MedGen C0238357, MONDO:0008224, OMIM 170500, HP:0007215.

Submission:

Labcorp Genetics (formerly Invitae), Labcorp
Classification: Uncertain significance for Hyperkalemic periodic paralysis. Last evaluated: 2024-08-30. Review status: criteria provided, single submitter. Criteria: Invitae Variant Classification Sherloc (09022015). Collection method: clinical testing. Allele origin: germline.
Comment: This sequence change replaces serine, which is neutral and polar, with tryptophan, which is neutral and slightly polar, at codon 1120 of the SCN4A protein (p.Ser1120Trp). This variant is not present in population databases (gnomAD no frequency). This variant has not been reported in the literature in individuals affected with SCN4A-related conditions. Invitae Evidence Modeling of protein sequence and biophysical properties (such as structural, functional, and spatial information, amino acid conservation, physicochemical variation, residue mobility, and thermodynamic stability) has been performed for this missense variant. However, the output from this modeling did not meet the statistical confidence thresholds required to predict the impact of this variant on SCN4A protein function. In summary, the available evidence is currently insufficient to determine the role of this variant in disease. Therefore, it has been classified as a Variant of Uncertain Significance.